The following is an entry in ClinVar:

NM_004447.6(EPS8):c.1582C>T (p.Leu528Phe)

Gene: EPS8 (EGFR pathway substrate 8, signaling adaptor; minus strand). Cytogenetic location: 12p12.3.
Variant type: single nucleotide variant.
Coding change: c.1582C>T on transcript NM_004447.6 (MANE Select); coding-DNA position 1582, C replaced by T.
Protein change: p.Leu528Phe; replaces leucine 528 with phenylalanine.
Molecular consequence: missense variant.
Genome position (GRCh38, 1-based): chr12:15,641,817, G>A on the plus strand (C>T on the coding strand, the complement: EPS8 is on the minus strand). VCF-style: chr12-15641817-G-A. GRCh37 (hg19) VCF-style: chr12-15794751-G-A.
Other names: short protein forms L528F.
Identifiers: ClinVar variation 1197948 (VCV001197948.6), dbSNP rs138455166, ClinGen allele CA6467505.

ClinVar aggregate classification (germline): Conflicting classifications of pathogenicity. Review status: criteria provided, conflicting classifications (1 of 4 stars). 3 submissions from 3 submitters: Uncertain significance (1); Likely benign (2). Last evaluated 2026-04-25.

Conditions:
EPS8-related disorder. Also called: EPS8-related condition.

Allele frequency attached by ClinVar (database versions not stated): TOPMed 0.00052; ESP Exome Variant Server 0.00054; gnomAD 0.00054 and 0.00049; 1000 Genomes Project 30x 0.00078; 1000 Genomes Project 0.00080.
gnomAD v4.1: 121 of 1,569,102 alleles (0.0077%); highest among the groups gnomAD compares: African/African-American, 0.15%; no homozygotes.

Submissions (3):

PreventionGenetics, part of Exact Sciences
Classification: Likely benign for EPS8-related condition. Last evaluated: 2026-04-25. Review status: criteria provided, single submitter. Criteria: ACMG Guidelines, 2015. Collection method: clinical testing. Allele origin: germline.
Comment: This variant is classified as likely benign based on ACMG/AMP sequence variant interpretation guidelines (Richards et al. 2015 PMID: 25741868, with internal and published modifications).

Labcorp Genetics (formerly Invitae), Labcorp
Classification: Uncertain significance. Last evaluated: 2022-08-16. Review status: criteria provided, single submitter. Criteria: Invitae Variant Classification Sherloc (09022015). Collection method: clinical testing. Allele origin: germline.
Comment: This sequence change replaces leucine, which is neutral and non-polar, with phenylalanine, which is neutral and non-polar, at codon 528 of the EPS8 protein (p.Leu528Phe). This variant is present in population databases (rs138455166, gnomAD 0.2%). This variant has not been reported in the literature in individuals affected with EPS8-related conditions. ClinVar contains an entry for this variant (Variation ID: 1197948). Algorithms developed to predict the effect of missense changes on protein structure and function (SIFT, PolyPhen-2, Align-GVGD) all suggest that this variant is likely to be tolerated. In summary, the available evidence is currently insufficient to determine the role of this variant in disease. Therefore, it has been classified as a Variant of Uncertain Significance.

GeneDx
Classification: Likely benign. Last evaluated: 2020-11-18. Review status: criteria provided, single submitter. Criteria: GeneDx Variant Classification Process June 2021. Collection method: clinical testing. Allele origin: germline. Affected: yes.